The following is an entry in ClinVar:

NM_003579.4(RAD54L):c.470A>G (p.Gln157Arg)

Gene: RAD54L (RAD54 like; plus strand). Cytogenetic location: 1p34.1.
Variant type: single nucleotide variant.
Coding change: c.470A>G on transcript NM_003579.4 (MANE Select); coding-DNA position 470, A replaced by G.
Protein change: p.Gln157Arg; replaces glutamine 157 with arginine.
Molecular consequence: missense variant. On other transcripts: 5 prime UTR variant (1).
Genome position (GRCh38, 1-based): chr1:46,260,604, A>G. VCF-style: chr1-46260604-A-G. GRCh37 (hg19) VCF-style: chr1-46726276-A-G.
Other names: c.470A>G, p.Gln157Arg (NM_001142548.2); c.-71A>G (NM_001370766.1); short protein forms Q157R.
Identifiers: ClinVar variation 3312445 (VCV003312445.1).

ClinVar aggregate classification (germline): Uncertain significance (1 of 4 stars; one submission).

Submission:

Ambry Genetics
Classification: Uncertain significance. Last evaluated: 2024-03-21. Review status: criteria provided, single submitter. Criteria: Ambry Variant Classification Scheme 2023. Collection method: clinical testing. Allele origin: germline.
Comment: The p.Q157R variant (also known as c.470A>G), located in coding exon 6 of the RAD54L gene, results from an A to G substitution at nucleotide position 470. The glutamine at codon 157 is replaced by arginine, an amino acid with highly similar properties. This amino acid position is conserved. In addition, this alteration is predicted to be deleterious by in silico analysis. Based on the available evidence, the clinical significance of this alteration remains unclear.